The following is an entry in ClinVar:

NM_001242957.3(MAK):c.1598-2A>C

Gene: MAK (male germ cell associated kinase; minus strand). Cytogenetic location: 6p24.2.
Variant type: single nucleotide variant.
Coding change: c.1598-2A>C on transcript NM_001242957.3 (MANE Select); the canonical splice acceptor site of the intron before coding-DNA position 1598, A replaced by C.
Molecular consequence: splice acceptor variant. On other transcripts: intron variant (3).
Genome position (GRCh38, 1-based): chr6:10,773,110, T>G on the plus strand (A>C on the coding strand, the complement: MAK is on the minus strand). VCF-style: chr6-10773110-T-G. GRCh37 (hg19) VCF-style: chr6-10773343-T-G.
Other names: c.1495+2218A>C (NM_001377262.1); c.1597+2218A>C (NM_005906.6, NM_001242385.2).
Identifiers: ClinVar variation 2956679 (VCV002956679.7), dbSNP rs1450447701, ClinGen allele CA362715208.
Genomic context (GRCh38, chr6:10,773,110, plus strand): 5'-TTTTTCAGGAAAAGTTTCATTGCATGATAGTTTTTCGATTGGTTTAATTATGCTTTCTTC[T>G]AAAGAGAAGACAGATGGAAAGAAAGAATAATAGTAAGGAGAATGTTATAGGAAAAGCAGA-3'

ClinVar aggregate classification (germline): Conflicting classifications of pathogenicity. Review status: criteria provided, conflicting classifications (1 of 4 stars). 4 submissions from 4 submitters: Likely pathogenic (2); Uncertain significance (2). Last evaluated 2023-12-24.

Conditions:
Retinitis pigmentosa 62 (RP62). Identifiers: Orphanet 791, MedGen C3280042, MONDO:0013611, OMIM 614181.
MAK-related retinopathy. Identifiers: MedGen CN375904, MONDO:0700229.

Allele frequency attached by ClinVar (database versions not stated): gnomAD exomes below 0.00001; TOPMed below 0.00001; gnomAD 0.00001.
gnomAD v4.1: 5 of 1,467,948 alleles (0.00034%); highest among the groups gnomAD compares: East Asian, 0.0099%; no homozygotes.

Submissions (4):

Labcorp Genetics (formerly Invitae), Labcorp
Classification: Likely pathogenic. Last evaluated: 2023-12-24. Review status: criteria provided, single submitter. Criteria: Invitae Variant Classification Sherloc (09022015). Collection method: clinical testing. Allele origin: germline.
Comment: This sequence change affects an acceptor splice site in intron 11 of the MAK gene. It is expected to disrupt RNA splicing. Variants that disrupt the donor or acceptor splice site typically lead to a loss of protein function (PMID: 16199547), and loss-of-function variants in MAK are known to be pathogenic (PMID: 21148103, 21825139, 24938718, 29781741). This variant is present in population databases (no rsID available, gnomAD 0.01%). This variant has not been reported in the literature in individuals affected with MAK-related conditions. Algorithms developed to predict the effect of sequence changes on RNA splicing suggest that this variant may disrupt the consensus splice site. In summary, the currently available evidence indicates that the variant is pathogenic, but additional data are needed to prove that conclusively. Therefore, this variant has been classified as Likely Pathogenic.

Department of Pathology and Laboratory Medicine, Sinai Health System
Classification: Likely pathogenic for MAK-related retinopathy. Last evaluated: 2022-11-29. Review status: criteria provided, single submitter. Criteria: ACMG Guidelines, 2015. Collection method: research. Allele origin: germline.

Blueprint Genetics
Classification: Uncertain significance. Last evaluated: 2022-10-18. Review status: criteria provided, single submitter. Criteria: ACMG Guidelines, 2015. Collection method: clinical testing. Allele origin: germline.

Juno Genomics, Hangzhou Juno Genomics, Inc
Classification: Uncertain significance for Retinitis pigmentosa 62. Review status: criteria provided, single submitter. Criteria: ACMG Guidelines, 2015. Collection method: clinical testing. Allele origin: germline.
Comment: Null variant in a gene where loss of function (LOF) is a known mechanism of disease.;Absent from controls (or at extremely low frequency if recessive) in Genome Aggregation Database.

Literature cited by the submitters: PubMed 16199547 (cited by Labcorp Genetics (formerly Invitae), Labcorp); PubMed 21148103 (cited by Labcorp Genetics (formerly Invitae), Labcorp); PubMed 21825139 (cited by Labcorp Genetics (formerly Invitae), Labcorp); PubMed 24938718 (cited by Labcorp Genetics (formerly Invitae), Labcorp); PubMed 29781741 (cited by Labcorp Genetics (formerly Invitae), Labcorp).